The following is an entry in ClinVar:

ClinVar aggregate classification (germline): Likely pathogenic (1 of 4 stars; one submission).

Conditions:
UMOD-related disorder. Also called: UMOD-related condition.

Submission:

PreventionGenetics, part of Exact Sciences
Classification: Likely pathogenic for UMOD-related condition. Last evaluated: 2022-11-02. Review status: criteria provided, single submitter. Criteria: ACMG Guidelines, 2015. Collection method: clinical testing. Allele origin: germline.
Comment: The UMOD c.442T>A variant is predicted to result in the amino acid substitution p.Cys148Ser. The p.Cys148 residue is highly conserved during evolution. This variant has been reported in an individual with tubulointerstitial kidney disease (Olinger et al. 2020. PubMed ID: 32450155, Table S1). Of note, multiple different substitutions at the same codon have been reported in individuals with tubulointerstitial kidney disease (p.Cys148Arg and p.Cys148Tyr at Table S1 of Olinger et al. 2020. PubMed ID: 32450155; p.Cys148Arg also at Bollée et al. 2011. PubMed ID: 21868615; p.Cys148Tyr also at Hart et al. 2002. PubMed ID: 12471200 and Gast et al. 2018. PubMed ID: 30376835; p.Cys148Trp at Rampoldi et al. 2003. PubMed ID: 14570709 and Trudu et al. 2017. PubMed ID: 28785050). None of these variants has been reported in a large population database, indicating these variants are rare. In summary, the p.Cys148Ser variant in this patient is interpreted as likely pathogenic.

NM_003361.4(UMOD):c.442T>A (p.Cys148Ser)

Gene: UMOD (uromodulin; minus strand). Cytogenetic location: 16p12.3.
Variant type: single nucleotide variant.
Coding change: c.442T>A on transcript NM_003361.4 (MANE Select); coding-DNA position 442, T replaced by A.
Protein change: p.Cys148Ser; replaces cysteine 148 with serine.
Molecular consequence: missense variant. On other transcripts: non-coding transcript variant (1).
Genome position (GRCh38, 1-based): chr16:20,348,859, A>T on the plus strand (T>A on the coding strand, the complement: UMOD is on the minus strand). VCF-style: chr16-20348859-A-T. GRCh37 (hg19) VCF-style: chr16-20360181-A-T.
Other names: c.442T>A, p.Cys148Ser (NM_001008389.3, NM_001378232.1, NM_001378233.1 and 3 more transcripts); c.541T>A, p.Cys181Ser (NM_001278614.2); short protein forms C148S, C181S.
Identifiers: ClinVar variation 2635084 (VCV002635084.1), dbSNP rs2507389035, ClinGen allele CA394985955.